The following is an entry in ClinVar:

NC_000010.11:g.13122383AG[1]

Gene: OPTN (optineurin; plus strand). Cytogenetic location: 10p13.
Variant type: Microsatellite.
Genome position: GRCh38 VCF-style: chr10-13122382-CAG-C. GRCh37 (hg19) VCF-style: chr10-13164382-CAG-C.
Identifiers: ClinVar variation 1384838 (VCV001384838.6), dbSNP rs757559365, ClinGen allele CA5410752.

ClinVar aggregate classification (germline): Pathogenic (1 of 4 stars; one submission).

Conditions:
Primary open angle glaucoma (POAG). Also called: OPTN-related open angle glaucoma. Identifiers: MedGen C0339573, MONDO:0100553, OMIM 137760.
Glaucoma 1, open angle, E. Identifiers: MedGen C1842026, MONDO:0007665.
Amyotrophic lateral sclerosis type 12 (ALS12). Also called: AMYOTROPHIC LATERAL SCLEROSIS 12 WITH OR WITHOUT FRONTOTEMPORAL DEMENTIA. Identifiers: Orphanet 803, MedGen C3150692, MONDO:0013264, OMIM 613435.

Submission:

Labcorp Genetics (formerly Invitae), Labcorp
Classification: Pathogenic for Primary open angle glaucoma; Glaucoma 1, open angle, E; Amyotrophic lateral sclerosis type 12. Last evaluated: 2021-09-02. Review status: criteria provided, single submitter. Criteria: Invitae Variant Classification Sherloc (09022015). Collection method: clinical testing. Allele origin: germline.
Comment: For these reasons, this variant has been classified as Pathogenic. This variant has not been reported in the literature in individuals affected with OPTN-related conditions. This variant is present in population databases (rs757559365, ExAC 0.002%). This sequence change creates a premature translational stop signal (p.Arg260Serfs*5) in the OPTN gene. It is expected to result in an absent or disrupted protein product. Loss-of-function variants in OPTN are known to be pathogenic (PMID: 20428114).

Literature cited by the submitters: PubMed 20428114.